The following is an entry in ClinVar:

NM_002830.4(PTPN4):c.1576G>A (p.Gly526Arg)

Gene: PTPN4 (protein tyrosine phosphatase non-receptor type 4; plus strand). Cytogenetic location: 2q14.2.
Variant type: single nucleotide variant.
Coding change: c.1576G>A on transcript NM_002830.4 (MANE Select); coding-DNA position 1576, G replaced by A.
Protein change: p.Gly526Arg; replaces glycine 526 with arginine.
Molecular consequence: missense variant.
Genome position (GRCh38, 1-based): chr2:119,946,401, G>A. VCF-style: chr2-119946401-G-A. GRCh37 (hg19) VCF-style: chr2-120703977-G-A.
Other names: short protein forms G526R.
Identifiers: ClinVar variation 4692879 (VCV004692879.1).

ClinVar aggregate classification (germline): Uncertain significance (1 of 4 stars; one submission).

gnomAD v4.1: 2 of 1,610,758 alleles (0.00012%); highest among the groups gnomAD compares: Non-Finnish European, 0.00017%; no homozygotes.

Submission:

Labcorp Genetics (formerly Invitae), Labcorp
Classification: Uncertain significance. Last evaluated: 2025-05-08. Review status: criteria provided, single submitter. Criteria: Invitae Variant Classification Sherloc (09022015). Collection method: clinical testing. Allele origin: germline.
Comment: This sequence change replaces glycine, which is neutral and non-polar, with arginine, which is basic and polar, at codon 526 of the PTPN4 protein (p.Gly526Arg). This variant is not present in population databases (gnomAD no frequency). This variant has not been reported in the literature in individuals affected with PTPN4-related conditions. An algorithm developed to predict the effect of missense changes on protein structure and function (PolyPhen-2) suggests that this variant is likely to be disruptive. In summary, the available evidence is currently insufficient to determine the role of this variant in disease. Therefore, it has been classified as a Variant of Uncertain Significance.